The following is an entry in ClinVar:

NM_001940.4(ATN1):c.2022A>C (p.Arg674=)

Gene: ATN1 (atrophin 1; plus strand). Cytogenetic location: 12p13.31.
Variant type: single nucleotide variant.
Coding change: c.2022A>C on transcript NM_001940.4 (MANE Select); coding-DNA position 2022, A replaced by C.
Protein change: p.Arg674=; no amino-acid change (arginine 674 retained).
Molecular consequence: synonymous variant.
Genome position (GRCh38, 1-based): chr12:6,937,289, A>C. VCF-style: chr12-6937289-A-C. GRCh37 (hg19) VCF-style: chr12-7046452-A-C.
Other names: c.2022A>C, p.Arg674= (NM_001007026.2, NM_001424176.1, NM_001424177.1 and 1 more transcripts); c.2019A>C, p.Arg673= (NM_001424179.1, NM_001424180.1).
Identifiers: ClinVar variation 4685721 (VCV004685721.2).
Genomic context (GRCh38, chr12:6,937,289, plus strand): 5'-ACCCGGATACAAACCCGGGTCGCCTCCCTCCTTCCGAACGGGGACCCCACCGGGCTATCG[A>C]GGAACCTCGCCACCTGCAGGCCCAGGGACCTTCAAGCCGGGCTCGCCCACCGTGGGACCT-3'
Protein context (NP_001931.2, residues 664-684): SFRTGTPPGY[Arg674=]GTSPPAGPGT

ClinVar aggregate classification (germline): Likely benign. Review status: criteria provided, multiple submitters, no conflicts (2 of 4 stars). 2 submissions from 2 submitters: Likely benign (2). Last evaluated 2026-02-16.

gnomAD v4.1: 136 of 1,601,154 alleles (0.0085%); highest among the groups gnomAD compares: Non-Finnish European, 0.011%; no homozygotes.

Submissions (2):

Women's Health and Genetics/Laboratory Corporation of America, LabCorp
Classification: Likely benign. Last evaluated: 2026-02-16. Review status: criteria provided, single submitter. Criteria: LabCorp Variant Classification Summary - May 2015. Collection method: clinical testing. Allele origin: germline.
Comment: Variant summary: ATN1 c.2022A>C alters a non-conserved nucleotide resulting in a synonymous change. Several computational tools predict a significant impact on normal splicing: Three predict the variant strengthens a cryptic 3' acceptor site. However, these predictions have yet to be confirmed by functional studies. The variant allele was found at a frequency of 8.5e-05 in 1594178 control chromosomes, predominantly at a frequency of 0.00011 within the Non-Finnish European subpopulation in the gnomAD database. The occurrence in several carriers suggests that this variant is likely not associated with a high penetrance, severe, early onset disease phenotype in heterozygous state. To our knowledge, no occurrence of c.2022A>C in individuals affected with ATN1-related conditions and no experimental evidence demonstrating its impact on protein function have been reportedClinVar contains an entry for this variant (Variation ID: 4685721). Based on the evidence outlined above, the variant was classified as likely benign.

ARUP Laboratories, Molecular Genetics and Genomics, ARUP Laboratories
Classification: Likely benign. Last evaluated: 2025-03-31. Review status: criteria provided, single submitter. Criteria: ARUP Molecular Germline Variant Investigation Process 2024. Collection method: clinical testing. Allele origin: germline.